The following is an entry in ClinVar:

NM_020779.4(WDR35):c.3427A>T (p.Met1143Leu)

Gene: WDR35 (WD repeat domain 35; minus strand). Cytogenetic location: 2p24.1.
Variant type: single nucleotide variant.
Coding change: c.3427A>T on transcript NM_020779.4 (MANE Select); coding-DNA position 3427, A replaced by T.
Protein change: p.Met1143Leu; replaces methionine 1143 with leucine.
Molecular consequence: missense variant.
Genome position (GRCh38, 1-based): chr2:19,913,644, T>A on the plus strand (A>T on the coding strand, the complement: WDR35 is on the minus strand). VCF-style: chr2-19913644-T-A. GRCh37 (hg19) VCF-style: chr2-20113405-T-A.
Other names: c.3460A>T, p.Met1154Leu (NM_001006657.2); short protein forms M1143L, M1154L.
Identifiers: ClinVar variation 2933666 (VCV002933666.3), dbSNP rs1484295924, ClinGen allele CA346230633.

ClinVar aggregate classification (germline): Uncertain significance (1 of 4 stars; one submission).

Conditions:
Short-rib thoracic dysplasia 7 with or without polydactyly (SRTD7). Also called: SHORT-RIB THORACIC DYSPLASIA 7 WITH POLYDACTYLY; Short rib polydactyly syndrome 5. Identifiers: Orphanet 498497, Orphanet 93271, MedGen C3279792, MONDO:0013569, OMIM 614091.
Cranioectodermal dysplasia 2 (CED2). Identifiers: Orphanet 1515, MedGen C3150874, MONDO:0013323, OMIM 613610.

Allele frequency attached by ClinVar (database versions not stated): gnomAD exomes below 0.00001.

Submission:

Labcorp Genetics (formerly Invitae), Labcorp
Classification: Uncertain significance for Cranioectodermal dysplasia 2; Short-rib thoracic dysplasia 7 with or without polydactyly. Last evaluated: 2023-08-17. Review status: criteria provided, single submitter. Criteria: Invitae Variant Classification Sherloc (09022015). Collection method: clinical testing. Allele origin: germline.
Comment: In summary, the available evidence is currently insufficient to determine the role of this variant in disease. Therefore, it has been classified as a Variant of Uncertain Significance. Advanced modeling of protein sequence and biophysical properties (such as structural, functional, and spatial information, amino acid conservation, physicochemical variation, residue mobility, and thermodynamic stability) performed at Invitae indicates that this missense variant is not expected to disrupt WDR35 protein function. This variant has not been reported in the literature in individuals affected with WDR35-related conditions. This variant is present in population databases (no rsID available, gnomAD 0.003%). This sequence change replaces methionine, which is neutral and non-polar, with leucine, which is neutral and non-polar, at codon 1154 of the WDR35 protein (p.Met1154Leu).